The following is an entry in ClinVar:

NM_014946.4(SPAST):c.1372A>C (p.Ser458Arg)

Gene: SPAST (spastin; plus strand). Cytogenetic location: 2p22.3.
Variant type: single nucleotide variant.
Coding change: c.1372A>C on transcript NM_014946.4 (MANE Select); coding-DNA position 1372, A replaced by C.
Protein change: p.Ser458Arg; replaces serine 458 with arginine.
Molecular consequence: missense variant.
Genome position (GRCh38, 1-based): chr2:32,136,927, A>C. VCF-style: chr2-32136927-A-C. GRCh37 (hg19) VCF-style: chr2-32361996-A-C.
Other names: c.1369A>C, p.Ser457Arg (NM_001363823.2); c.1273A>C, p.Ser425Arg (NM_001363875.2); c.1276A>C, p.Ser426Arg (NM_001377959.1, NM_199436.2); short protein forms S425R, S457R, S458R, S426R.
Identifiers: ClinVar variation 2203043 (VCV002203043.4), dbSNP rs2465884153, ClinGen allele CA346502274.

ClinVar aggregate classification (germline): Likely pathogenic (1 of 4 stars; one submission).

Conditions:
Hereditary spastic paraplegia 4. Also called: Familial spastic paraplegia autosomal dominant 2; Spastic paraplegia 4, autosomal dominant; Spastic Paraplegia 4. Identifiers: Orphanet 100985, MedGen C1866855, MONDO:0008438, OMIM 182601.

Submission:

Labcorp Genetics (formerly Invitae), Labcorp
Classification: Likely pathogenic for Hereditary spastic paraplegia 4. Last evaluated: 2022-07-07. Review status: criteria provided, single submitter. Criteria: Invitae Variant Classification Sherloc (09022015). Collection method: clinical testing. Allele origin: germline.
Comment: This missense change has been observed in individuals with clinical features of hereditary spastic paraplegia (PMID: 25045380; Invitae). In summary, the currently available evidence indicates that the variant is pathogenic, but additional data are needed to prove that conclusively. Therefore, this variant has been classified as Likely Pathogenic. Advanced modeling of protein sequence and biophysical properties (such as structural, functional, and spatial information, amino acid conservation, physicochemical variation, residue mobility, and thermodynamic stability) performed at Invitae indicates that this missense variant is expected to disrupt SPAST protein function. This variant is not present in population databases (gnomAD no frequency). This sequence change replaces serine, which is neutral and polar, with arginine, which is basic and polar, at codon 458 of the SPAST protein (p.Ser458Arg).

Literature cited by the submitters: PubMed 25045380.